The following is an entry in ClinVar:

ClinVar aggregate classification (germline): Uncertain significance (1 of 4 stars; one submission).

Conditions:
Congenital myasthenic syndrome 4A. Also called: Myasthenic syndrome, congenital, 4a, slow-channel; CONGENITAL MYASTHENIC SYNDROME TYPE Ia1; MYASTHENIC SYNDROME, CONGENITAL, 4A, SLOW-CHANNEL, AUTOSOMAL RECESSIVE. Identifiers: Orphanet 590, MedGen C4225413, MONDO:0011600, OMIM 605809.

Submission:

Labcorp Genetics (formerly Invitae), Labcorp
Classification: Uncertain significance for Congenital myasthenic syndrome 4A. Last evaluated: 2024-09-03. Review status: criteria provided, single submitter. Criteria: Invitae Variant Classification Sherloc (09022015). Collection method: clinical testing. Allele origin: germline.
Comment: This sequence change replaces histidine, which is basic and polar, with proline, which is neutral and non-polar, at codon 336 of the CHRNE protein (p.His336Pro). This variant is not present in population databases (gnomAD no frequency). This missense change has been observed in individual(s) with clinical features of autosomal recessive congenital myasthenic syndrome (internal data). In at least one individual the data is consistent with being in trans (on the opposite chromosome) from a pathogenic variant. Invitae Evidence Modeling of protein sequence and biophysical properties (such as structural, functional, and spatial information, amino acid conservation, physicochemical variation, residue mobility, and thermodynamic stability) indicates that this missense variant is expected to disrupt CHRNE protein function with a positive predictive value of 80%. In summary, the available evidence is currently insufficient to determine the role of this variant in disease. Therefore, it has been classified as a Variant of Uncertain Significance.

NM_000080.4(CHRNE):c.1007A>C (p.His336Pro)

Gene: CHRNE (cholinergic receptor nicotinic epsilon subunit; minus strand). Cytogenetic location: 17p13.2.
Variant type: single nucleotide variant.
Coding change: c.1007A>C on transcript NM_000080.4 (MANE Select); coding-DNA position 1007, A replaced by C.
Protein change: p.His336Pro; replaces histidine 336 with proline.
Molecular consequence: missense variant.
Genome position (GRCh38, 1-based): chr17:4,899,493, T>G on the plus strand (A>C on the coding strand, the complement: CHRNE is on the minus strand). VCF-style: chr17-4899493-T-G. GRCh37 (hg19) VCF-style: chr17-4802788-T-G.
Other names: short protein forms H336P.
Identifiers: ClinVar variation 3627131 (VCV003627131.2).